The following is an entry in ClinVar:

ClinVar aggregate classification (germline): Uncertain significance. Review status: criteria provided, multiple submitters, no conflicts (2 of 4 stars). 2 submissions from 2 submitters: Uncertain significance (2). Last evaluated 2023-08-21.

Conditions:
Inborn genetic diseases. Identifiers: MedGen C0950123, MeSH D030342.

Submissions (2):

Ambry Genetics
Classification: Uncertain significance for Inborn genetic diseases. Last evaluated: 2023-08-21. Review status: criteria provided, single submitter. Criteria: Ambry Variant Classification Scheme 2023. Collection method: clinical testing. Allele origin: germline.

Labcorp Genetics (formerly Invitae), Labcorp
Classification: Uncertain significance. Last evaluated: 2022-10-16. Review status: criteria provided, single submitter. Criteria: Invitae Variant Classification Sherloc (09022015). Collection method: clinical testing. Allele origin: germline.
Comment: Algorithms developed to predict the effect of missense changes on protein structure and function (SIFT, PolyPhen-2, Align-GVGD) all suggest that this variant is likely to be disruptive. In summary, the available evidence is currently insufficient to determine the role of this variant in disease. Therefore, it has been classified as a Variant of Uncertain Significance. This sequence change replaces leucine, which is neutral and non-polar, with glutamine, which is neutral and polar, at codon 66 of the FZD4 protein (p.Leu66Gln). This variant is not present in population databases (gnomAD no frequency). This variant has not been reported in the literature in individuals affected with FZD4-related conditions.

NM_012193.4(FZD4):c.197T>A (p.Leu66Gln)

Gene: FZD4 (frizzled class receptor 4; minus strand). Cytogenetic location: 11q14.2.
Variant type: single nucleotide variant.
Coding change: c.197T>A on transcript NM_012193.4 (MANE Select); coding-DNA position 197, T replaced by A.
Protein change: p.Leu66Gln; replaces leucine 66 with glutamine.
Molecular consequence: missense variant.
Genome position (GRCh38, 1-based): chr11:86,954,889, A>T on the plus strand (T>A on the coding strand, the complement: FZD4 is on the minus strand). VCF-style: chr11-86954889-A-T. GRCh37 (hg19) VCF-style: chr11-86665931-A-T.
Other names: short protein forms L66Q.
Identifiers: ClinVar variation 2596399 (VCV002596399.5), dbSNP rs2495874250, ClinGen allele CA382018302.